The following is an entry in ClinVar:

ClinVar aggregate classification (germline): Uncertain significance (1 of 4 stars; one submission).

Conditions:
Loeys-Dietz syndrome 2 (LDS2). Also called: TGFBR2-Related Loeys-Dietz Syndrome; Marfan syndrome, type 2 (formerly); AORTIC ANEURYSM, FAMILIAL THORACIC 3; MARFAN SYNDROME, TYPE II; Marfan Syndrome type 2; Marfan like connective tissue disorder. Identifiers: Orphanet 284973, Orphanet 558, MedGen C2674574, MONDO:0012427, OMIM 610168.

Submission:

Labcorp Genetics (formerly Invitae), Labcorp
Classification: Uncertain significance for Loeys-Dietz syndrome 2. Last evaluated: 2023-09-23. Review status: criteria provided, single submitter. Criteria: Invitae Variant Classification Sherloc (09022015). Collection method: clinical testing. Allele origin: germline.
Comment: This sequence change replaces histidine, which is basic and polar, with leucine, which is neutral and non-polar, at codon 585 of the TMPO protein (p.His585Leu). This variant is not present in population databases (gnomAD no frequency). This variant has not been reported in the literature in individuals affected with TMPO-related conditions. Advanced modeling of protein sequence and biophysical properties (such as structural, functional, and spatial information, amino acid conservation, physicochemical variation, residue mobility, and thermodynamic stability) performed at Invitae indicates that this missense variant is not expected to disrupt TMPO protein function. In summary, the available evidence is currently insufficient to determine the role of this variant in disease. Therefore, it has been classified as a Variant of Uncertain Significance.

NM_001032283.3(TMPO):c.565+2173A>T

Gene: TMPO (thymopoietin; plus strand). Cytogenetic location: 12q23.1.
Variant type: single nucleotide variant.
Coding change: c.565+2173A>T on transcript NM_001032283.3 (MANE Select); 2173 bases into the intron after coding-DNA position 565, A replaced by T.
Molecular consequence: intron variant. On other transcripts: missense variant (1).
Genome position (GRCh38, 1-based): chr12:98,534,011, A>T. VCF-style: chr12-98534011-A-T. GRCh37 (hg19) VCF-style: chr12-98927789-A-T.
Other names: c.565+2173A>T (NM_001307975.2, NM_001032284.3); c.1754A>T, p.His585Leu (NM_003276.2); short protein forms H585L.
Identifiers: ClinVar variation 2762954 (VCV002762954.3), dbSNP rs753557227, ClinGen allele CA242225234.